The following is an entry in ClinVar:

NM_005876.5(SPEG):c.9271C>T (p.Leu3091=)

Genes: ASIC4-AS1 (ASIC4 antisense RNA 1; minus strand), SPEG (striated muscle enriched protein kinase; plus strand). Cytogenetic location: 2q35.
Variant type: single nucleotide variant.
Coding change: c.9271C>T on transcript NM_005876.5 (MANE Select); coding-DNA position 9271, C replaced by T.
Protein change: p.Leu3091=; no amino-acid change (leucine 3091 retained).
Molecular consequence: synonymous variant.
Genome position (GRCh38, 1-based): chr2:219,490,842, C>T. VCF-style: chr2-219490842-C-T. GRCh37 (hg19) VCF-style: chr2-220355564-C-T.
Identifiers: ClinVar variation 2651931 (VCV002651931.26), dbSNP rs749508990, ClinGen allele CA2127715.

ClinVar aggregate classification (germline): Likely benign. Review status: criteria provided, multiple submitters, no conflicts (2 of 4 stars). 2 submissions from 2 submitters: Likely benign (2). Last evaluated 2025-10-16.

Allele frequency attached by ClinVar (database versions not stated): TOPMed below 0.00001; gnomAD 0.00001; ExAC 0.00002.
gnomAD v4.1: 12 of 1,613,968 alleles (0.00074%); highest among the groups gnomAD compares: Middle Eastern, 0.016%; no homozygotes.

Submissions (2):

Labcorp Genetics (formerly Invitae), Labcorp
Classification: Likely benign. Last evaluated: 2025-10-16. Review status: criteria provided, single submitter. Criteria: Invitae Variant Classification Sherloc (09022015). Collection method: clinical testing. Allele origin: germline.

CeGaT Center for Human Genetics Tuebingen
Classification: Likely benign. Last evaluated: 2023-03-01. Review status: criteria provided, single submitter. Criteria: CeGaT Center For Human Genetics Tuebingen Variant Classification Criteria Version 2. Collection method: clinical testing. Allele origin: germline. Affected: yes. Observed: 1 variant allele.
Comment: SPEG: BP4, BP7